The following is an entry in ClinVar:

ClinVar aggregate classification (germline): Benign/Likely benign. Review status: criteria provided, multiple submitters, no conflicts (2 of 4 stars). 3 submissions from 2 submitters: Benign (1); Likely benign (2). Last evaluated 2018-01-13.

Conditions:
Catecholaminergic polymorphic ventricular tachycardia 1. Also called: RYR2-Related Catecholaminergic Polymorphic Ventricular Tachycardia; VENTRICULAR TACHYCARDIA, CATECHOLAMINERGIC POLYMORPHIC, 1, WITH OR WITHOUT ATRIAL DYSFUNCTION AND/OR DILATED CARDIOMYOPATHY; VENTRICULAR TACHYCARDIA, STRESS-INDUCED POLYMORPHIC 1. Identifiers: Orphanet 3286, MedGen C1631597, MONDO:0011484, OMIM 604772.
Arrhythmogenic right ventricular dysplasia 2. Identifiers: MedGen C1832931.

Allele frequency attached by ClinVar (database versions not stated): gnomAD exomes 0.00026; gnomAD 0.00027 and 0.00038; TOPMed 0.00040; 1000 Genomes Project 0.00220; 1000 Genomes Project 30x 0.00234.
gnomAD v4.1: 296 of 986,554 alleles (0.03%); highest among the groups gnomAD compares: East Asian, 0.59%; 2 homozygotes.

Submissions (3):

Illumina Laboratory Services, Illumina
Classification: Benign for Catecholaminergic polymorphic ventricular tachycardia 1. Last evaluated: 2018-01-13. Review status: criteria provided, single submitter. Criteria: ICSL Variant Classification Criteria 13 December 2019. Collection method: clinical testing. Allele origin: germline.
Comment: This variant was observed in the ICSL laboratory as part of a predisposition screen in an ostensibly healthy population. It had not been previously curated by ICSL or reported in the Human Gene Mutation Database (HGMD: prior to June 1st, 2018), and was therefore a candidate for classification through an automated scoring system. Utilizing variant allele frequency, disease prevalence and penetrance estimates, and inheritance mode, an automated score was calculated to assess if this variant is too frequent to cause the disease. Based on the score and internal cut-off values, a variant classified as benign is not then subjected to further curation. The score for this variant resulted in a classification of benign for this disease.

Illumina Laboratory Services, Illumina
Classification: Likely benign for Catecholaminergic polymorphic ventricular tachycardia 1. Last evaluated: 2018-01-13. Review status: criteria provided, single submitter. Criteria: ICSL Variant Classification Criteria 13 December 2019. Collection method: clinical testing. Allele origin: germline.
Comment: This variant was observed in the ICSL laboratory as part of a predisposition screen in an ostensibly healthy population. It had not been previously curated by ICSL or reported in the Human Gene Mutation Database (HGMD: prior to June 1st, 2018), and was therefore a candidate for classification through an automated scoring system. Utilizing variant allele frequency, disease prevalence and penetrance estimates, and inheritance mode, an automated score was calculated to assess if this variant is too frequent to cause the disease. Based on the score and internal cut-off values, a variant classified as likely benign is not then subjected to further curation. The score for this variant resulted in a classification of likely benign for this disease.

Breakthrough Genomics
Classification: Likely benign. Review status: criteria provided, single submitter. Criteria: ACMG Guidelines, 2015. Collection method: not provided. Allele origin: germline. Inheritance: Autosomal dominant inheritance. Affected: yes.

NM_001035.3(RYR2):c.*55T>C

Gene: RYR2 (ryanodine receptor 2; plus strand). Cytogenetic location: 1q43.
Variant type: single nucleotide variant.
Coding change: c.*55T>C on transcript NM_001035.3 (MANE Select); 55 bases downstream of the stop codon, T replaced by C.
Molecular consequence: 3 prime UTR variant.
Genome position (GRCh38, 1-based): chr1:237,832,702, T>C. VCF-style: chr1-237832702-T-C. GRCh37 (hg19) VCF-style: chr1-237996002-T-C.
Identifiers: ClinVar variation 876816 (VCV000876816.5), dbSNP rs192720264, ClinGen allele CA39835256.